The following is an entry in ClinVar:

ClinVar aggregate classification (germline): Uncertain significance. Review status: criteria provided, multiple submitters, no conflicts (2 of 4 stars). 2 submissions from 2 submitters: Uncertain significance (2). Last evaluated 2024-04-15.

Conditions:
Polycystic kidney disease, adult type (PKD1). Also called: Polycystic Kidney Disease 1, Autosomal Dominant; Polycystic kidney disease 1; Polycystic kidney disease 1, severe; Polycystic Kidney, Autosomal Dominant; POLYCYSTIC KIDNEY DISEASE 1 WITH OR WITHOUT POLYCYSTIC LIVER DISEASE; POLYCYSTIC KIDNEY DISEASE, ADULT, TYPE I. Identifiers: MedGen C3149841, MONDO:0008263, OMIM 173900.

Submissions (2):

Fulgent Genetics
Classification: Uncertain significance for Polycystic kidney disease, adult type. Last evaluated: 2024-04-15. Review status: criteria provided, single submitter. Criteria: ACMG Guidelines, 2015. Collection method: clinical testing. Allele origin: germline.

MVZ Medizinische Genetik Mainz
Classification: Uncertain significance for Polycystic kidney disease, adult type. Last evaluated: 2022-05-04. Review status: criteria provided, single submitter. Criteria: UK Practice Guidelines For Variant Classification V4 01 2020. Collection method: clinical testing. Allele origin: germline. Inheritance: Autosomal dominant inheritance. Observed: 1 variant allele.
Comment: ACMG Criteria: PM2_SUP (ACMG Version 3)

NM_001009944.3(PKD1):c.5497A>C (p.Thr1833Pro)

Gene: PKD1 (polycystin 1, transient receptor potential channel interacting; minus strand). Cytogenetic location: 16p13.3.
Variant type: single nucleotide variant.
Coding change: c.5497A>C on transcript NM_001009944.3 (MANE Select); coding-DNA position 5497, A replaced by C.
Protein change: p.Thr1833Pro; replaces threonine 1833 with proline.
Molecular consequence: missense variant.
Genome position (GRCh38, 1-based): chr16:2,109,670, T>G on the plus strand (A>C on the coding strand, the complement: PKD1 is on the minus strand). VCF-style: chr16-2109670-T-G. GRCh37 (hg19) VCF-style: chr16-2159671-T-G.
Other names: c.5497A>C, p.Thr1833Pro (NM_000296.4); short protein forms T1833P.
Identifiers: ClinVar variation 3236184 (VCV003236184.2), dbSNP rs1475056804, ClinGen allele CA394376616.